The following is an entry in ClinVar:

ClinVar aggregate classification (germline): Uncertain significance (1 of 4 stars; one submission).

Conditions:
Cole-Carpenter syndrome 1 (CLCRP1). Also called: BONE FRAGILITY WITH CRANIOSYNOSTOSIS, OCULAR PROPTOSIS, HYDROCEPHALUS, AND DISTINCTIVE FACIAL FEATURES. Identifiers: Orphanet 2050, MedGen C4317154, MONDO:0007204, OMIM 112240.

Submission:

Centre for Mendelian Genomics, University Medical Centre Ljubljana
Classification: Uncertain significance for Cole-Carpenter syndrome 1. Last evaluated: 2019-04-18. Review status: criteria provided, single submitter. Criteria: ACMG Guidelines, 2015. Collection method: clinical testing. Allele origin: unknown. Affected: yes.
Comment: This variant was classified as: Uncertain significance. The available evidence on this variant's pathogenicity is insufficient or conflicting. The following ACMG criteria were applied in classifying this variant: PM2,PP3.

NM_000918.4(P4HB):c.1148A>T (p.Asp383Val)

Gene: P4HB (prolyl 4-hydroxylase subunit beta; minus strand). Cytogenetic location: 17q25.3.
Variant type: single nucleotide variant.
Coding change: c.1148A>T on transcript NM_000918.4 (MANE Select); coding-DNA position 1148, A replaced by T.
Protein change: p.Asp383Val; replaces aspartic acid 383 with valine.
Molecular consequence: missense variant.
Genome position (GRCh38, 1-based): chr17:81,845,900, T>A on the plus strand (A>T on the coding strand, the complement: P4HB is on the minus strand). VCF-style: chr17-81845900-T-A. GRCh37 (hg19) VCF-style: chr17-79803776-T-A.
Other names: short protein forms D383V.
Identifiers: ClinVar variation 931909 (VCV000931909.3), dbSNP rs2038728463, ClinGen allele CA401507280.